The following is an entry in ClinVar:

NM_002049.4(GATA1):c.622G>A (p.Gly208Arg)

Gene: GATA1 (GATA binding protein 1; plus strand). Cytogenetic location: Xp11.23.
Variant type: single nucleotide variant.
Coding change: c.622G>A on transcript NM_002049.4 (MANE Select); coding-DNA position 622, G replaced by A.
Protein change: p.Gly208Arg; replaces glycine 208 with arginine.
Molecular consequence: missense variant.
Genome position (GRCh38, 1-based): chrX:48,792,346, G>A. VCF-style: chrX-48792346-G-A. GRCh37 (hg19) VCF-style: chrX-48650753-G-A.
Other names: short protein forms G208R.
Identifiers: ClinVar variation 372762 (VCV000372762.6), dbSNP rs587776454, ClinGen allele CA16043250.

ClinVar aggregate classification (germline): Conflicting classifications of pathogenicity. Review status: criteria provided, conflicting classifications (1 of 4 stars). 2 submissions from 2 submitters: Pathogenic (1); Uncertain significance (1). Last evaluated 2024-02-20.

Conditions:
GATA binding protein 1 related thrombocytopenia with dyserythropoiesis. Also called: GATA1-Related X-Linked Cytopenia; GATA1-Related Cytopenia. Identifiers: MedGen C1845837, MONDO:0100089.
Diamond-Blackfan anemia. Also called: Blackfan Diamond syndrome; Aregenerative anemia chronic congenital; Red cell aplasia, pure hereditary; Congenital hypoplastic anemia; Aase syndrome. Identifiers: Orphanet 124, MedGen C1260899, MeSH D029503, MONDO:0015253, HP:0004810.

Submissions (2):

Labcorp Genetics (formerly Invitae), Labcorp
Classification: Uncertain significance for GATA binding protein 1 related thrombocytopenia with dyserythropoiesis; Diamond-Blackfan anemia. Last evaluated: 2024-02-20. Review status: criteria provided, single submitter. Criteria: Invitae Variant Classification Sherloc (09022015). Collection method: clinical testing. Allele origin: germline.
Comment: This sequence change replaces glycine, which is neutral and non-polar, with arginine, which is basic and polar, at codon 208 of the GATA1 protein (p.Gly208Arg). This variant is not present in population databases (gnomAD no frequency). This missense change has been observed in individual(s) with GATA1-related conditions (PMID: 16103636, 17713552, 20922527, 25232504). ClinVar contains an entry for this variant (Variation ID: 372762). Advanced modeling of protein sequence and biophysical properties (such as structural, functional, and spatial information, amino acid conservation, physicochemical variation, residue mobility, and thermodynamic stability) performed at Invitae indicates that this missense variant is expected to disrupt GATA1 protein function with a positive predictive value of 80%. Experimental studies have shown that this missense change affects GATA1 function (PMID: 23704091). In summary, the available evidence is currently insufficient to determine the role of this variant in disease. Therefore, it has been classified as a Variant of Uncertain Significance.

GeneDx
Classification: Pathogenic. Last evaluated: 2024-02-08. Review status: criteria provided, single submitter. Criteria: GeneDx Variant Classification Process June 2021. Collection method: clinical testing. Allele origin: germline. Affected: yes.
Comment: Not observed at significant frequency in large population cohorts (gnomAD); In silico analysis supports that this missense variant has a deleterious effect on protein structure/function; This variant is associated with the following publications: (PMID: 17713552, 20922527, 25232504, 16103636, 23704091)

Literature cited by the submitters: PubMed 16103636 (cited by Labcorp Genetics (formerly Invitae), Labcorp); PubMed 17713552 (cited by Labcorp Genetics (formerly Invitae), Labcorp); PubMed 20922527 (cited by Labcorp Genetics (formerly Invitae), Labcorp); PubMed 25232504 (cited by Labcorp Genetics (formerly Invitae), Labcorp); PubMed 23704091 (cited by Labcorp Genetics (formerly Invitae), Labcorp).